The following is an entry in ClinVar:

ClinVar aggregate classification (germline): Uncertain significance. Review status: criteria provided, multiple submitters, no conflicts (2 of 4 stars). 2 submissions from 2 submitters: Uncertain significance (2). Last evaluated 2026-01-20.

Conditions:
Dilated cardiomyopathy 1G (CMD1G). Identifiers: Orphanet 154, MedGen C1858763, MONDO:0011400, OMIM 604145.
Autosomal recessive limb-girdle muscular dystrophy type 2J (LGMDR10). Also called: Limb-girdle muscular dystrophy, type 2J; MUSCULAR DYSTROPHY, LIMB-GIRDLE, AUTOSOMAL RECESSIVE 10. Identifiers: Orphanet 140922, MedGen C1837342, MONDO:0012127, OMIM 608807.

Submissions (2):

Labcorp Genetics (formerly Invitae), Labcorp
Classification: Uncertain significance for Dilated cardiomyopathy 1G; Autosomal recessive limb-girdle muscular dystrophy type 2J. Last evaluated: 2026-01-20. Review status: criteria provided, single submitter. Criteria: Invitae Variant Classification Sherloc (09022015). Collection method: clinical testing. Allele origin: germline.
Comment: This sequence change replaces lysine, which is basic and polar, with glutamic acid, which is acidic and polar, at codon 35687 of the TTN protein (p.Lys35687Glu). This variant is not present in population databases (gnomAD no frequency). This variant has not been reported in the literature in individuals affected with TTN-related conditions. ClinVar contains an entry for this variant (Variation ID: 4080782). Experimental studies and prediction algorithms are not available or were not evaluated, and the functional significance of this variant is currently unknown. In summary, the available evidence is currently insufficient to determine the role of this variant in disease. Therefore, it has been classified as a Variant of Uncertain Significance.

Revvity Omics, Revvity
Classification: Uncertain significance. Last evaluated: 2024-07-29. Review status: criteria provided, single submitter. Criteria: ACMG Guidelines, 2015. Collection method: clinical testing. Allele origin: germline.

NM_001267550.2(TTN):c.107059A>G (p.Lys35687Glu)

Genes: TTN (titin; minus strand), TTN-AS1 (TTN antisense RNA 1; plus strand). Cytogenetic location: 2q31.2.
Variant type: single nucleotide variant.
Coding change: c.107059A>G on transcript NM_001267550.2 (MANE Select); coding-DNA position 107059, A replaced by G.
Protein change: p.Lys35687Glu; replaces lysine 35687 with glutamic acid.
Molecular consequence: missense variant.
Genome position (GRCh38, 1-based): chr2:178,528,692, T>C on the plus strand (A>G on the coding strand, the complement: TTN is on the minus strand). VCF-style: chr2-178528692-T-C. GRCh37 (hg19) VCF-style: chr2-179393419-T-C.
Other names: c.102136A>G, p.Lys34046Glu (NM_001256850.1); c.79864A>G, p.Lys26622Glu (NM_003319.4); c.99355A>G, p.Lys33119Glu (NM_133378.4); c.80239A>G, p.Lys26747Glu (NM_133432.3); c.80440A>G, p.Lys26814Glu (NM_133437.4); short protein forms K26622E, K26747E, K26814E, K33119E, K34046E, K35687E.
Identifiers: ClinVar variation 4080782 (VCV004080782.2).